The following is an entry in ClinVar:

ClinVar aggregate classification (germline): Uncertain significance. Review status: reviewed by expert panel (3 of 4 stars). 3 submissions from 3 submitters: Uncertain significance (1). 2 of the submissions do not count toward it. Last evaluated 2023-06-27.

Conditions:
Very long chain acyl-CoA dehydrogenase deficiency (ACADVLD). Also called: Very Long-Chain Acyl-Coenzyme A Dehydrogenase Deficiency; VLCAD Deficiency. Identifiers: Orphanet 26793, MedGen C3887523, MONDO:0008723, OMIM 201475.

Submissions (3):

ClinGen ACADVL Variant Curation Expert Panel, ClinGen
Classification: Uncertain significance for Very long chain acyl-CoA dehydrogenase deficiency. Last evaluated: 2023-06-27. Review status: reviewed by expert panel. Criteria: clingen acadvl acmg specifications v1. Collection method: curation. Allele origin: germline. Inheritance: Autosomal recessive inheritance.
Comment: The c.1818G>A (p.Trp606Ter) variant in ACADVL is a nonsense variant that may cause loss of function of the protein, however it is predicted to escape nonsense mediated decay and remove <10% of the protein (PVS1_Moderate). This variant is absent from gnomAD v2.1.1 (PM2_Supporting). This variant has been reported once as a result of a positive newborn screening for VLCADD (PMID:26385305). The ACADVL Variant Curation Expert Panel VCEP classified the variant as VUS based on PVS1_Moderate+PM2_supporting.

Labcorp Genetics (formerly Invitae), Labcorp
Classification: Pathogenic for Very long chain acyl-CoA dehydrogenase deficiency. Last evaluated: 2022-09-12. Review status: criteria provided, single submitter. Criteria: Invitae Variant Classification Sherloc (09022015). Collection method: clinical testing. Allele origin: germline. Not counted in ClinVar's aggregate classification.
Comment: For these reasons, this variant has been classified as Pathogenic. This variant disrupts a region of the ACADVL protein in which other variant(s) (p.Arg615*) have been determined to be pathogenic (PMID: 10431122). This suggests that this is a clinically significant region of the protein, and that variants that disrupt it are likely to be disease-causing. ClinVar contains an entry for this variant (Variation ID: 932836). This premature translational stop signal has been observed in individual(s) with a positive newborn screening result for ACADVL-related disease (PMID: 26385305). This variant is not present in population databases (gnomAD no frequency). This sequence change creates a premature translational stop signal (p.Trp606*) in the ACADVL gene. While this is not anticipated to result in nonsense mediated decay, it is expected to disrupt the last 50 amino acid(s) of the ACADVL protein.

Wong Mito Lab, Molecular and Human Genetics, Baylor College of Medicine
Classification: Pathogenic for Very long chain acyl-CoA dehydrogenase deficiency. Last evaluated: 2019-11-01. Review status: criteria provided, single submitter. Criteria: ACMG Guidelines, 2015. Collection method: clinical testing. Allele origin: germline. Not counted in ClinVar's aggregate classification.
Comment: The NM_000018.3:c.1818G>A (NP_000009.1:p.Trp606Ter) [GRCH38: NC_000017.11:g.7224875G>A] variant in ACADVL gene is interpretated to be Pathogenic based on ACMG guidelines (PMID: 25741868). This variant has been reported. This variant meets the following evidence codes reported in the ACMG guidelines: PVS1, PS3

Literature cited by the submitters: PubMed 10431122 (cited by Labcorp Genetics (formerly Invitae), Labcorp); PubMed 26385305 (cited by Labcorp Genetics (formerly Invitae), Labcorp).

NM_000018.4(ACADVL):c.1818G>A (p.Trp606Ter)

Gene: ACADVL (acyl-CoA dehydrogenase very long chain; plus strand). Cytogenetic location: 17p13.1.
Variant type: single nucleotide variant.
Coding change: c.1818G>A on transcript NM_000018.4 (MANE Select); coding-DNA position 1818, G replaced by A.
Protein change: p.Trp606Ter; replaces tryptophan 606 with a stop codon.
Molecular consequence: nonsense.
Genome position (GRCh38, 1-based): chr17:7,224,875, G>A. VCF-style: chr17-7224875-G-A. GRCh37 (hg19) VCF-style: chr17-7128194-G-A.
Other names: NM_000018.4(ACADVL):c.1818G>A; p.Trp606Ter; c.1752G>A, p.Trp584Ter (NM_001033859.3); c.1887G>A, p.Trp629Ter (NM_001270447.2); c.1590G>A, p.Trp530Ter (NM_001270448.2); short protein forms W584*, W530*, W606*, W629*.
Identifiers: ClinVar variation 932836 (VCV000932836.7), dbSNP rs2071404265, ClinGen allele CA397725955.